The following is an entry in ClinVar:

ClinVar aggregate classification (germline): Conflicting classifications of pathogenicity. Review status: criteria provided, conflicting classifications (1 of 4 stars). 11 submissions from 11 submitters: Uncertain significance (7); Likely benign (1). 3 of the submissions do not count toward it. Last evaluated 2026-06-01.

Conditions:
Fanconi anemia, complementation group S (FANCS). Identifiers: MedGen C4554406, MONDO:0054748, OMIM 617883.
Pancreatic cancer, susceptibility to, 4. Identifiers: Orphanet 1333, MedGen C3280442, MONDO:0013685, OMIM 614320.
Breast-ovarian cancer, familial, susceptibility to, 1 (BROVCA1). Also called: BRCA1 Hereditary Breast and Ovarian Cancer; OVARIAN CANCER, SUSCEPTIBILITY TO. Identifiers: Orphanet 145, MedGen C2676676, MONDO:0011450, OMIM 604370. Disease mechanism: loss of function.
Hereditary cancer-predisposing syndrome. Also called: Tumor predisposition; Hereditary neoplastic syndrome; Neoplastic Syndromes, Hereditary; Hereditary Cancer Syndrome. Identifiers: Orphanet 140162, MedGen C0027672, MeSH D009386, MONDO:0015356.
Hereditary breast ovarian cancer syndrome. Also called: Hereditary breast and ovarian cancer syndrome (HBOC); Hereditary breast and ovarian cancer; Hereditary breast and ovarian cancer syndrome; Breast and ovarian cancer; Hereditary breast and/or ovarian cancer syndrome; BRCA1- and BRCA2-Associated Hereditary Breast and Ovarian Cancer. Identifiers: Orphanet 145, MedGen C0677776, MeSH D061325, MONDO:0003582. Disease mechanism: loss of function.
Malignant tumor of breast. Also called: Malignant breast neoplasm; Cancer breast. Identifiers: MedGen C0006142, MONDO:0007254. Disease mechanism: loss of function.

gnomAD v4.1: 4 of 1,612,838 alleles (0.00025%); highest among the groups gnomAD compares: Middle Eastern, 0.017%; no homozygotes.

Submissions (11):

CeGaT Center for Human Genetics Tuebingen
Classification: Uncertain significance. Last evaluated: 2026-06-01. Review status: criteria provided, single submitter. Criteria: CeGaT Center For Human Genetics Tuebingen Variant Classification Criteria Version 2. Collection method: clinical testing. Allele origin: germline. Affected: yes. Observed: 1 variant allele.
Comment: BRCA1: PM2, PS4:Moderate, BS3:Supporting

Labcorp Genetics (formerly Invitae), Labcorp
Classification: Uncertain significance for Hereditary breast ovarian cancer syndrome. Last evaluated: 2025-08-18. Review status: criteria provided, single submitter. Criteria: Invitae Variant Classification Sherloc (09022015). Collection method: clinical testing. Allele origin: germline.
Comment: This sequence change replaces serine, which is neutral and polar, with glycine, which is neutral and non-polar, at codon 153 of the BRCA1 protein (p.Ser153Gly). This variant is present in population databases (rs28897674, gnomAD 0.002%). This missense change has been observed in individual(s) with a personal and/or family history of breast and ovarian cancer (PMID: 24010542, 30254663, 35150867, 36531003). ClinVar contains an entry for this variant (Variation ID: 96934). Invitae Evidence Modeling of protein sequence and biophysical properties (such as structural, functional, and spatial information, amino acid conservation, physicochemical variation, residue mobility, and thermodynamic stability) indicates that this missense variant is not expected to disrupt BRCA1 protein function with a negative predictive value of 80%. In summary, the available evidence is currently insufficient to determine the role of this variant in disease. Therefore, it has been classified as a Variant of Uncertain Significance.

Blueprint Genetics
Classification: Likely benign. Last evaluated: 2024-10-16. Review status: criteria provided, single submitter. Criteria: ACMG Guidelines, 2015. Collection method: clinical testing. Allele origin: germline.

Fulgent Genetics
Classification: Uncertain significance for Breast-ovarian cancer, familial, susceptibility to, 1; Pancreatic cancer, susceptibility to, 4; Fanconi anemia, complementation group S. Last evaluated: 2024-06-19. Review status: criteria provided, single submitter. Criteria: ACMG Guidelines, 2015. Collection method: clinical testing. Allele origin: germline.

Ambry Genetics
Classification: Uncertain significance for Hereditary cancer-predisposing syndrome. Last evaluated: 2024-06-17. Review status: criteria provided, single submitter. Criteria: Ambry Variant Classification Scheme 2023. Collection method: clinical testing. Allele origin: germline.
Comment: The p.S153G variant (also known as c.457A>G), located in coding exon 6 of the BRCA1 gene, results from an A to G substitution at nucleotide position 457. The serine at codon 153 is replaced by glycine, an amino acid with similar properties. This variant was reported in multiple individuals diagnosed with breast and/or ovarian cancer (Konstantopoulou I et al. Clin. Genet. 2014 Jan;85:36-42; Tung N et al. Cancer, 2015 Jan;121:25-33; Zuntini R et al. Front Genet, 2018 Sep;9:378). This amino acid position is not well conserved in available vertebrate species. In addition, the in silico prediction for this alteration is inconclusive. Based on the available evidence, the clinical significance of this variant remains unclear.

All of Us Research Program, National Institutes of Health
Classification: Uncertain significance for Breast-ovarian cancer, familial, susceptibility to, 1. Last evaluated: 2024-02-05. Review status: criteria provided, single submitter. Criteria: ACMG Guidelines, 2015. Collection method: clinical testing. Allele origin: germline. Inheritance: Autosomal dominant inheritance. Observed: 5 variant alleles, 5 heterozygotes.
Comment: This missense variant replaces serine with glycine at codon 153 of the BRCA1 protein. Computational prediction is inconclusive regarding the impact of this variant on protein structure and function (internally defined REVEL score threshold 0.5 < inconclusive < 0.7, PMID: 27666373). To our knowledge, functional studies have not been reported for this variant. This variant has been reported in ab individual affected with breast or ovarian cancer (PMID: 24010542) and has been detected in a breast cancer case-control meta-analysis in 1/60466 cases and 0/53461 unaffected individuals (PMID: 33471991; Leiden Open Variation Database DB-ID BRCA1_001326). This variant has been identified in 3/251428 chromosomes in the general population by the Genome Aggregation Database (gnomAD). The available evidence is insufficient to determine the role of this variant in disease conclusively. Therefore, this variant is classified as a Variant of Uncertain Significance.

This study involves interpretation of variants in research participants for the purpose of population health screening. Participant phenotype was not available at the time of variant classification. Additional details can be found in publication PMID: 35346344, PMCID: PMC8962531

Quest Diagnostics Nichols Institute San Juan Capistrano
Classification: Uncertain significance. Last evaluated: 2023-05-30. Review status: criteria provided, single submitter. Criteria: Quest Diagnostics criteria. Collection method: clinical testing. Allele origin: unknown.
Comment: In the published literature, this variant has been reported in individuals with a personal and/or family history of breast and/or ovarian cancer (PMID: 25186627 (2015), 24010542 (2014)). The frequency of this variant in the general population, 0.000026 (3/113708 chromosomes (Genome Aggregation Database)), is uninformative in the assessment of its pathogenicity. Analysis of this variant using bioinformatics tools for the prediction of the effect of amino acid changes on protein structure and function yielded predictions that this variant is benign. Based on the available information, we are unable to determine the clinical significance of this variant.

Color Diagnostics, LLC DBA Color Health
Classification: Uncertain significance for Hereditary cancer-predisposing syndrome. Last evaluated: 2023-05-05. Review status: criteria provided, single submitter. Criteria: ACMG Guidelines, 2015. Collection method: clinical testing. Allele origin: germline.
Comment: This missense variant replaces serine with glycine at codon 153 of the BRCA1 protein. Computational prediction is inconclusive regarding the impact of this variant on protein structure and function (internally defined REVEL score threshold 0.5 < inconclusive < 0.7, PMID: 27666373). To our knowledge, functional studies have not been reported for this variant. This variant has been reported in ab individual affected with breast or ovarian cancer (PMID: 24010542) and has been detected in a breast cancer case-control meta-analysis in 1/60466 cases and 0/53461 unaffected individuals (PMID: 33471991; Leiden Open Variation Database DB-ID BRCA1_001326). This variant has been identified in 3/251428 chromosomes in the general population by the Genome Aggregation Database (gnomAD). The available evidence is insufficient to determine the role of this variant in disease conclusively. Therefore, this variant is classified as a Variant of Uncertain Significance.

Department of Medical and Surgical Sciences, University of Bologna
Classification: Benign for Breast-ovarian cancer, familial, susceptibility to, 1. Last evaluated: 2023-09-01. Review status: no assertion criteria provided. Collection method: clinical testing. Allele origin: germline. Affected: yes. Not counted in ClinVar's aggregate classification.
Comment: BS3(Strong)+BP1(Strong) according to ACMG/AMP classification guidelines specified for BRCA1 & BRCA2 (Classification Criteria V1.0.0 2023-09-08) (PMID: 38160042)

Sharing Clinical Reports Project (SCRP)
Classification: Uncertain significance for Breast-ovarian cancer, familial 1. Last evaluated: 2012-05-01. Review status: no assertion criteria provided. Collection method: clinical testing. Allele origin: germline. Not counted in ClinVar's aggregate classification.

Department of Pathology and Laboratory Medicine, Sinai Health System
Classification: Uncertain significance for Malignant tumor of breast. Review status: no assertion criteria provided. Collection method: clinical testing. Allele origin: unknown. Affected: yes. Observed: 1 variant allele. Study: The Canadian Open Genetics Repository (COGR). Not counted in ClinVar's aggregate classification.
Comment: The p.Ser153Gly variant was not identified in the literature nor was it identified in the NHLBI Exome Sequencing Project (Exome Variant Server), , HGMD, LOVD, COSMIC, GeneInsight VariantWire, the BIC and UMD databases. The variant was identified in the ClinVar database (classified as an uncertain significance variant by the Sharing Clinical Reports Project (derived from Myriad reports) and Invitae); it was also identified in dbSNP (rs28897674), and the Exome Aggregation Consortium (ExAC) database in 2 of 66738 individuals of European background. The p.Ser153Gly residue is not conserved in mammals and computational analyses (PolyPhen-2, SIFT, AlignGVGD, BLOSUM, MutationTaster) provide inconsistent predictions regarding the impact to the protein; this information is not very predictive of pathogenicity. The variant occurs outside of the splicing consensus sequence and 1 of 5 in silico or computational prediction software programs (SpliceSiteFinder, MaxEntScan, NNSPLICE, GeneSplicer, HumanSpliceFinder) predict a greater than 10% difference in splicing; but this is not very predictive of pathogenicity. In summary, based on the above information, the clinical significance of this variant cannot be determined with certainty at this time. This variant is classified as a variant of unknown significance.

Literature cited by the submitters: PubMed 24010542 (cited by 5 submitters); PubMed 30254663 (cited by 3 submitters); PubMed 35150867 (cited by Labcorp Genetics (formerly Invitae), Labcorp and Quest Diagnostics Nichols Institute San Juan Capistrano); PubMed 36531003 (cited by Labcorp Genetics (formerly Invitae), Labcorp); PubMed 25186627 (cited by Ambry Genetics and Quest Diagnostics Nichols Institute San Juan Capistrano); PubMed 33471991 (cited by All of Us Research Program, National Institutes of Health and Color Diagnostics, LLC DBA Color Health).

NM_007294.4(BRCA1):c.457A>G (p.Ser153Gly)

Gene: BRCA1 (BRCA1 DNA repair associated; minus strand). Cytogenetic location: 17q21.31.
Variant type: single nucleotide variant.
Coding change: c.457A>G on transcript NM_007294.4 (MANE Select); coding-DNA position 457, A replaced by G.
Protein change: p.Ser153Gly; replaces serine 153 with glycine.
Molecular consequence: missense variant. On other transcripts: non-coding transcript variant (1).
Genome position (GRCh38, 1-based): chr17:43,099,865, T>C on the plus strand (A>G on the coding strand, the complement: BRCA1 is on the minus strand). VCF-style: chr17-43099865-T-C. GRCh37 (hg19) VCF-style: chr17-41251882-T-C.
Other names: c.244A>G, p.Ser82Gly (NM_001407571.1, NM_001407853.1, NM_001407894.1 and 18 more transcripts); c.457A>G, p.Ser153Gly (NM_001407581.1, NM_001407582.1, NM_001407583.1 and 97 more transcripts); c.454A>G, p.Ser152Gly (NM_001407587.1, NM_001407590.1, NM_001407591.1 and 65 more transcripts); c.448A>G, p.Ser150Gly (NM_001407646.1, NM_001407647.1, NM_001408408.1); c.379A>G, p.Ser127Gly (NM_001407653.1, NM_001407654.1, NM_001407655.1 and 12 more transcripts); c.376A>G, p.Ser126Gly (NM_001407659.1, NM_001407660.1, NM_001407661.1 and 6 more transcripts); c.316A>G, p.Ser106Gly (NM_001407692.1, NM_001407694.1, NM_001407695.1 and 61 more transcripts); c.313A>G, p.Ser105Gly (NM_001407740.1, NM_001407741.1, NM_001407742.1 and 35 more transcripts); and 4 more; short protein forms S153G, S106G, S105G, S150G, S83G, S126G, S26G, S108G.
Identifiers: ClinVar variation 96934 (VCV000096934.25), dbSNP rs28897674, ClinGen allele CA002915.